The following is an entry in ClinVar:

NM_006648.4(WNK2):c.4334C>T (p.Ala1445Val)

Gene: WNK2 (WNK lysine deficient protein kinase 2; plus strand). Cytogenetic location: 9q22.31.
Variant type: single nucleotide variant.
Coding change: c.4334C>T on transcript NM_006648.4 (MANE Select); coding-DNA position 4334, C replaced by T.
Protein change: p.Ala1445Val; replaces alanine 1445 with valine.
Molecular consequence: missense variant.
Genome position (GRCh38, 1-based): chr9:93,289,088, C>T. VCF-style: chr9-93289088-C-T. GRCh37 (hg19) VCF-style: chr9-96051370-C-T.
Other names: c.4445C>T, p.Ala1482Val (NM_001282394.3); short protein forms A1482V, A1445V.
Identifiers: ClinVar variation 3816915 (VCV003816915.1).

ClinVar aggregate classification (germline): Uncertain significance (1 of 4 stars; one submission).

gnomAD v4.1: 7 of 1,608,014 alleles (0.00044%); highest among the groups gnomAD compares: Non-Finnish European, 0.00059%; no homozygotes.

Submission:

Ambry Genetics
Classification: Uncertain significance. Last evaluated: 2025-01-24. Review status: criteria provided, single submitter. Criteria: Ambry Variant Classification Scheme 2023. Collection method: clinical testing. Allele origin: germline.
Comment: The p.A1445V variant (also known as c.4334C>T), located in coding exon 19 of the WNK2 gene, results from a C to T substitution at nucleotide position 4334. The alanine at codon 1445 is replaced by valine, an amino acid with similar properties. This amino acid position is conserved. In addition, this alteration is predicted to be tolerated by in silico analysis. Based on the available evidence, the clinical significance of this variant remains unclear.